The following is an entry in ClinVar:

NM_020937.4(FANCM):c.2834G>A (p.Gly945Asp)

Gene: FANCM (FA complementation group M; plus strand). Cytogenetic location: 14q21.2.
Variant type: single nucleotide variant.
Coding change: c.2834G>A on transcript NM_020937.4 (MANE Select); coding-DNA position 2834, G replaced by A.
Protein change: p.Gly945Asp; replaces glycine 945 with aspartic acid.
Molecular consequence: missense variant.
Genome position (GRCh38, 1-based): chr14:45,175,588, G>A. VCF-style: chr14-45175588-G-A. GRCh37 (hg19) VCF-style: chr14-45644791-G-A.
Other names: c.2756G>A, p.Gly919Asp (NM_001308133.2); c.2834G>A (LRG_502t1, NM_020937.3); short protein forms G945D, G919D.
Identifiers: ClinVar variation 568639 (VCV000568639.11), dbSNP rs1193165722, ClinGen allele CA389599277.

ClinVar aggregate classification (germline): Uncertain significance. Review status: criteria provided, multiple submitters, no conflicts (2 of 4 stars). 4 submissions from 4 submitters: Uncertain significance (4). Last evaluated 2025-05-05.

Conditions:
Fanconi anemia (FA). Also called: Fanconi's anemia. Identifiers: Orphanet 84, MedGen C0015625, MeSH D005199, MONDO:0019391.

Allele frequency attached by ClinVar (database versions not stated): gnomAD exomes below 0.00001; gnomAD 0.00001; TOPMed 0.00001.
gnomAD v4.1: 13 of 1,613,414 alleles (0.00081%); highest among the groups gnomAD compares: South Asian, 0.0011%; no homozygotes.

Submissions (4):

Quest Diagnostics Nichols Institute San Juan Capistrano
Classification: Uncertain significance. Last evaluated: 2025-05-05. Review status: criteria provided, single submitter. Criteria: Quest Diagnostics criteria. Collection method: clinical testing. Allele origin: unknown.
Comment: The FANCM c.2834G>A (p.Gly945Asp) variant has been reported in the published literature in individuals with breast cancer (PMID: 36707629 (2023), 33471991 (2021), see also LOVD).The frequency of this variant in the general population (Genome Aggregation Database) is uninformative in the assessment of its pathogenicity. Analysis of this variant using bioinformatics tools for the prediction of the effect of amino acid changes on protein structure and function yielded conflicting predictions that this variant is benign or damaging. Based on the available information, we are unable to determine the clinical significance of this variant.

Blueprint Genetics
Classification: Uncertain significance. Last evaluated: 2023-07-06. Review status: criteria provided, single submitter. Criteria: ACMG Guidelines, 2015. Collection method: clinical testing. Allele origin: germline.

GeneDx
Classification: Uncertain significance. Last evaluated: 2022-04-04. Review status: criteria provided, single submitter. Criteria: GeneDx Variant Classification Process June 2021. Collection method: clinical testing. Allele origin: germline. Affected: yes.
Comment: Not observed at significant frequency in large population cohorts (gnomAD); In silico analysis supports that this missense variant has a deleterious effect on protein structure/function; Has not been previously published as pathogenic or benign to our knowledge

Labcorp Genetics (formerly Invitae), Labcorp
Classification: Uncertain significance for Fanconi anemia. Last evaluated: 2021-09-02. Review status: criteria provided, single submitter. Criteria: Invitae Variant Classification Sherloc (09022015). Collection method: clinical testing. Allele origin: germline.
Comment: This sequence change replaces glycine with aspartic acid at codon 945 of the FANCM protein (p.Gly945Asp). The glycine residue is moderately conserved and there is a moderate physicochemical difference between glycine and aspartic acid. This variant is not present in population databases (ExAC no frequency). This variant has not been reported in the literature in individuals affected with FANCM-related conditions. Algorithms developed to predict the effect of missense changes on protein structure and function are either unavailable or do not agree on the potential impact of this missense change (SIFT: "Deleterious"; PolyPhen-2: "Probably Damaging"; Align-GVGD: "Class C0"). In summary, the available evidence is currently insufficient to determine the role of this variant in disease. Therefore, it has been classified as a Variant of Uncertain Significance.

Literature cited by the submitters: PubMed 36707629 (cited by Quest Diagnostics Nichols Institute San Juan Capistrano); PubMed 33471991 (cited by Quest Diagnostics Nichols Institute San Juan Capistrano).